The following is an entry in ClinVar:

NM_000363.5(TNNI3):c.108G>A (p.Lys36=)

Gene: TNNI3 (troponin I3, cardiac type; minus strand). Cytogenetic location: 19q13.42.
Variant type: single nucleotide variant.
Coding change: c.108G>A on transcript NM_000363.5 (MANE Select); coding-DNA position 108, G replaced by A.
Protein change: p.Lys36=; no amino-acid change (lysine 36 retained).
Molecular consequence: synonymous variant.
Genome position (GRCh38, 1-based): chr19:55,157,050, C>T on the plus strand (G>A on the coding strand, the complement: TNNI3 is on the minus strand). VCF-style: chr19-55157050-C-T. GRCh37 (hg19) VCF-style: chr19-55668418-C-T.
Identifiers: ClinVar variation 1005196 (VCV001005196.6), dbSNP rs2085737744, ClinGen allele CA508989615.

ClinVar aggregate classification (germline): Uncertain significance (1 of 4 stars; one submission).

Conditions:
Hypertrophic cardiomyopathy. Also called: HYPERTROPHIC MYOCARDIOPATHY. Identifiers: Orphanet 217569, MedGen C0007194, MeSH D002312, MONDO:0005045, HP:0001639.

Submission:

Labcorp Genetics (formerly Invitae), Labcorp
Classification: Uncertain significance for Hypertrophic cardiomyopathy. Last evaluated: 2024-10-30. Review status: criteria provided, single submitter. Criteria: Invitae Variant Classification Sherloc (09022015). Collection method: clinical testing. Allele origin: germline.
Comment: This sequence change affects codon 36 of the TNNI3 mRNA. It is a 'silent' change, meaning that it does not change the encoded amino acid sequence of the TNNI3 protein. This variant also falls at the last nucleotide of exon 3, which is part of the consensus splice site for this exon. This variant is not present in population databases (gnomAD no frequency). This variant has not been reported in the literature in individuals affected with TNNI3-related conditions. ClinVar contains an entry for this variant (Variation ID: 1005196). Variants that disrupt the consensus splice site are a relatively common cause of aberrant splicing (PMID: 17576681, 9536098). Algorithms developed to predict the effect of sequence changes on RNA splicing suggest that this variant may disrupt the consensus splice site. In summary, the available evidence is currently insufficient to determine the role of this variant in disease. Therefore, it has been classified as a Variant of Uncertain Significance.

Literature cited by the submitters: PubMed 17576681; PubMed 9536098.